The following is an entry in ClinVar:

NM_032482.3(DOT1L):c.1395G>A (p.Pro465=)

Gene: DOT1L (DOT1 like histone lysine methyltransferase; plus strand). Cytogenetic location: 19p13.3.
Variant type: single nucleotide variant.
Coding change: c.1395G>A on transcript NM_032482.3 (MANE Select); coding-DNA position 1395, G replaced by A.
Protein change: p.Pro465=; no amino-acid change (proline 465 retained).
Molecular consequence: synonymous variant.
Genome position (GRCh38, 1-based): chr19:2,211,142, G>A. VCF-style: chr19-2211142-G-A. GRCh37 (hg19) VCF-style: chr19-2211141-G-A.
Other names: c.1395G>A, p.Pro465= (NM_001411141.1).
Identifiers: ClinVar variation 2648962 (VCV002648962.24), dbSNP rs745891015, ClinGen allele CA9060500.
Genomic context (GRCh38, chr19:2,211,142, plus strand): 5'-GCCCTCCGCTCTCCCAGATGCCTACAGATCCCCTCACAGCCCGTTCTACCAGCTACCTCC[G>A]AGCGTGCAGCGGCACTCCCCCAACCCGCTGCTGGTGGCGCCCACCCCGCCCGCGCTGCAG-3'
Protein context (NP_115871.1, residues 455-475): SPHSPFYQLP[Pro465=]SVQRHSPNPL

ClinVar aggregate classification (germline): Likely benign (1 of 4 stars; one submission).

Allele frequency attached by ClinVar (database versions not stated): gnomAD exomes below 0.00001; ExAC 0.00001; gnomAD 0.00001; TOPMed 0.00001.
gnomAD v4.1: 5 of 1,612,972 alleles (0.00031%); highest among the groups gnomAD compares: East Asian, 0.0067%; no homozygotes.

Submission:

CeGaT Center for Human Genetics Tuebingen
Classification: Likely benign. Last evaluated: 2022-10-01. Review status: criteria provided, single submitter. Criteria: CeGaT Center For Human Genetics Tuebingen Variant Classification Criteria Version 2. Collection method: clinical testing. Allele origin: germline. Affected: yes. Observed: 1 variant allele.
Comment: DOT1L: BP4, BP7